The following is an entry in ClinVar:

ClinVar aggregate classification (germline): Uncertain significance. Review status: criteria provided, multiple submitters, no conflicts (2 of 4 stars). 3 submissions from 3 submitters: Uncertain significance (3). Last evaluated 2025-01-08.

Conditions:
USH2A-related disorder. Also called: USH2A-related condition; USH2A-related disorders. Identifiers: MedGen CN239332.

Allele frequency attached by ClinVar (database versions not stated): gnomAD 0.00001; gnomAD exomes 0.00001 and 0.00003; ExAC 0.00002.
gnomAD v4.1: 19 of 1,613,942 alleles (0.0012%); highest among the groups gnomAD compares: Middle Eastern, 0.016%; no homozygotes.

Submissions (3):

PreventionGenetics, part of Exact Sciences
Classification: Uncertain significance for USH2A-related condition. Last evaluated: 2025-01-08. Review status: criteria provided, single submitter. Criteria: ACMG Guidelines, 2015. Collection method: clinical testing. Allele origin: germline.
Comment: The USH2A c.2372A>G variant is predicted to result in the amino acid substitution p.Asn791Ser. To our knowledge, this variant has not been reported in the literature. This variant is reported in 0.015% of alleles in individuals of East Asian descent in gnomAD. At this time, the clinical significance of this variant is uncertain due to the absence of conclusive functional and genetic evidence.

Blueprint Genetics
Classification: Uncertain significance. Last evaluated: 2022-12-05. Review status: criteria provided, single submitter. Criteria: ACMG Guidelines, 2015. Collection method: clinical testing. Allele origin: germline.

Labcorp Genetics (formerly Invitae), Labcorp
Classification: Uncertain significance. Last evaluated: 2021-08-24. Review status: criteria provided, single submitter. Criteria: Invitae Variant Classification Sherloc (09022015). Collection method: clinical testing. Allele origin: germline.
Comment: This sequence change replaces asparagine with serine at codon 791 of the USH2A protein (p.Asn791Ser). The asparagine residue is weakly conserved and there is a small physicochemical difference between asparagine and serine. This variant is present in population databases (rs751837078, ExAC 0.01%). This variant has not been reported in the literature in individuals affected with USH2A-related conditions. Algorithms developed to predict the effect of missense changes on protein structure and function output the following: SIFT: "Tolerated"; PolyPhen-2: "Benign"; Align-GVGD: "Class C0". The serine amino acid residue is found in multiple mammalian species, which suggests that this missense change does not adversely affect protein function. In summary, the available evidence is currently insufficient to determine the role of this variant in disease. Therefore, it has been classified as a Variant of Uncertain Significance.

NM_206933.4(USH2A):c.2372A>G (p.Asn791Ser)

Genes: USH2A (usherin; minus strand), LOC122152296 (Sharpr-MPRA regulatory region 8762; plus strand). Cytogenetic location: 1q41.
Variant type: single nucleotide variant.
Coding change: c.2372A>G on transcript NM_206933.4 (MANE Select); coding-DNA position 2372, A replaced by G.
Protein change: p.Asn791Ser; replaces asparagine 791 with serine.
Molecular consequence: missense variant.
Genome position (GRCh38, 1-based): chr1:216,247,022, T>C on the plus strand (A>G on the coding strand, the complement: USH2A is on the minus strand). VCF-style: chr1-216247022-T-C. GRCh37 (hg19) VCF-style: chr1-216420364-T-C.
Other names: c.2372A>G, p.Asn791Ser (NM_007123.6); short protein forms N791S.
Identifiers: ClinVar variation 834733 (VCV000834733.6), dbSNP rs751837078, ClinGen allele CA1396242.